The following is an entry in ClinVar:

ClinVar aggregate classification (germline): Benign/Likely benign. Review status: criteria provided, multiple submitters, no conflicts (2 of 4 stars). 2 submissions from 2 submitters: Benign (1); Likely benign (1). Last evaluated 2026-01-14.

Conditions:
Myoclonic dystonia 26. Identifiers: MedGen C4225341, MONDO:0014620, OMIM 616398.

Allele frequency attached by ClinVar (database versions not stated): TOPMed 0.00001; gnomAD exomes 0.00006; ExAC 0.00009.
gnomAD v4.1: 42 of 1,475,912 alleles (0.0028%); highest among the groups gnomAD compares: East Asian, 0.02%; no homozygotes.

Submissions (2):

Labcorp Genetics (formerly Invitae), Labcorp
Classification: Likely benign for Myoclonic dystonia 26. Last evaluated: 2026-01-14. Review status: criteria provided, single submitter. Criteria: Invitae Variant Classification Sherloc (09022015). Collection method: clinical testing. Allele origin: germline.

Centre for Medical Genetics,  Mumbai
Classification: Benign for Dystonia 26, myoclonic. Last evaluated: 2019-08-14. Review status: criteria provided, single submitter. Criteria: ACMG Guidelines, 2015. Collection method: clinical testing. Allele origin: germline. Inheritance: Autosomal dominant inheritance. Affected: no. Observed: 1 homozygote.

NM_001282684.2(KCTD17):c.99G>A (p.Thr33=)

Gene: KCTD17 (potassium channel tetramerization domain containing 17; plus strand). Cytogenetic location: 22q12.3.
Variant type: single nucleotide variant.
Coding change: c.99G>A on transcript NM_001282684.2 (MANE Select); coding-DNA position 99, G replaced by A.
Protein change: p.Thr33=; no amino-acid change (threonine 33 retained).
Molecular consequence: synonymous variant.
Genome position (GRCh38, 1-based): chr22:37,051,859, G>A. VCF-style: chr22-37051859-G-A. GRCh37 (hg19) VCF-style: chr22-37447899-G-A.
Other names: c.99G>A, p.Thr33= (NM_001282685.2, NM_001282686.2, NM_024681.4).
Identifiers: ClinVar variation 694415 (VCV000694415.7), dbSNP rs747826376, ClinGen allele CA10214933.